The following is an entry in ClinVar:

NM_001113378.2(FANCI):c.1804C>T (p.Arg602Ter)

Gene: FANCI (FA complementation group I; plus strand). Cytogenetic location: 15q26.1.
Variant type: single nucleotide variant.
Coding change: c.1804C>T on transcript NM_001113378.2 (MANE Select); coding-DNA position 1804, C replaced by T.
Protein change: p.Arg602Ter; replaces arginine 602 with a stop codon.
Molecular consequence: nonsense.
Genome position (GRCh38, 1-based): chr15:89,285,201, C>T. VCF-style: chr15-89285201-C-T. GRCh37 (hg19) VCF-style: chr15-89828432-C-T.
Other names: c.1525C>T, p.Arg509Ter (NM_001376910.1); c.1804C>T, p.Arg602Ter (NM_001376911.1, NM_018193.3); short protein forms R509*, R602*.
Identifiers: ClinVar variation 929725 (VCV000929725.6), dbSNP rs1432325198, ClinGen allele CA393745974.
Genomic context (GRCh38, chr15:89,285,201, plus strand): 5'-ACTTTTTGCCTTGAGATCATGGATAGTTTGAGGAGATGCTTAAGCCAGCAAGCTGATGTT[C>T]GACTCATGCTTTATGAGGTAAGTCCGTAGAATGGAAAGAATGTAGCAAAACCCCAACTAA-3'

ClinVar aggregate classification (germline): Pathogenic/Likely pathogenic. Review status: criteria provided, multiple submitters, no conflicts (2 of 4 stars). 4 submissions from 4 submitters: Pathogenic (1); Likely pathogenic (2). 1 of the submissions does not count toward it. Last evaluated 2024-04-04.

Conditions:
Fanconi anemia complementation group I (FANCI). Also called: FANCI-Related Fanconi Anemia. Identifiers: Orphanet 84, MedGen C1836861, MONDO:0012186, OMIM 609053.
Gastric cancer. Also called: Stomach cancer; Malignant tumor of stomach. Identifiers: MedGen C0024623, MeSH D013274, MONDO:0001056, OMIM 613659, HP:0012126.
Fanconi anemia (FA). Also called: Fanconi's anemia. Identifiers: Orphanet 84, MedGen C0015625, MeSH D005199, MONDO:0019391.

Allele frequency attached by ClinVar (database versions not stated): TOPMed below 0.00001; gnomAD exomes 0.00001; gnomAD 0.00002.
gnomAD v4.1: 14 of 1,613,904 alleles (0.00087%); highest among the groups gnomAD compares: South Asian, 0.0022%; no homozygotes.

Submissions (4):

Labcorp Genetics (formerly Invitae), Labcorp
Classification: Pathogenic for Fanconi anemia. Last evaluated: 2024-04-04. Review status: criteria provided, single submitter. Criteria: Invitae Variant Classification Sherloc (09022015). Collection method: clinical testing. Allele origin: germline.
Comment: This sequence change creates a premature translational stop signal (p.Arg602*) in the FANCI gene. It is expected to result in an absent or disrupted protein product. Loss-of-function variants in FANCI are known to be pathogenic (PMID: 17452773, 17460694). This variant is present in population databases (no rsID available, gnomAD 0.01%). This variant has not been reported in the literature in individuals affected with FANCI-related conditions. ClinVar contains an entry for this variant (Variation ID: 929725). For these reasons, this variant has been classified as Pathogenic.

Baylor Genetics
Classification: Likely pathogenic for Fanconi anemia complementation group I. Last evaluated: 2022-09-27. Review status: criteria provided, single submitter. Criteria: ACMG Guidelines, 2015. Collection method: clinical testing. Allele origin: unknown.

Fulgent Genetics
Classification: Likely pathogenic for Fanconi anemia complementation group I. Last evaluated: 2022-04-24. Review status: criteria provided, single submitter. Criteria: ACMG Guidelines, 2015. Collection method: clinical testing. Allele origin: unknown.

Leiden Open Variation Database
Classification: Likely pathogenic for Gastric cancer. Last evaluated: 2018-10-01. Review status: no assertion criteria provided. Collection method: curation. Allele origin: germline. Affected: yes. Not counted in ClinVar's aggregate classification.
Comment: Curator: Arleen D. Auerbach. Submitter to LOVD: Marjolijn JL Ligtenberg.

Literature cited by the submitters: PubMed 17452773 (cited by Labcorp Genetics (formerly Invitae), Labcorp); PubMed 17460694 (cited by Labcorp Genetics (formerly Invitae), Labcorp); PubMed 28875981 (cited by Leiden Open Variation Database).